The following is an entry in ClinVar:

NM_000313.4(PROS1):c.1334G>A (p.Arg445His)

Gene: PROS1 (protein S; minus strand). Cytogenetic location: 3q11.1.
Variant type: single nucleotide variant.
Coding change: c.1334G>A on transcript NM_000313.4 (MANE Select); coding-DNA position 1334, G replaced by A.
Protein change: p.Arg445His; replaces arginine 445 with histidine.
Molecular consequence: missense variant.
Genome position (GRCh38, 1-based): chr3:93,884,886, C>T on the plus strand (G>A on the coding strand, the complement: PROS1 is on the minus strand). VCF-style: chr3-93884886-C-T. GRCh37 (hg19) VCF-style: chr3-93603730-C-T.
Other names: c.1430G>A, p.Arg477His (NM_001314077.2); short protein forms R477H, R445H.
Identifiers: ClinVar variation 2060676 (VCV002060676.1), dbSNP rs375034896, ClinGen allele CA2503202.

ClinVar aggregate classification (germline): Uncertain significance (1 of 4 stars; one submission).

Conditions:
Thrombophilia due to protein S deficiency, autosomal recessive (THPH6). Identifiers: Orphanet 743, MedGen C3281092, MONDO:0013791, OMIM 614514. Disease mechanism: loss of function.

Allele frequency attached by ClinVar (database versions not stated): ESP Exome Variant Server 0.00008; gnomAD 0.00008; gnomAD exomes 0.00011; TOPMed 0.00011; 1000 Genomes Project 30x 0.00016; 1000 Genomes Project 0.00020; ExAC 0.00026.
gnomAD v4.1: 184 of 1,612,380 alleles (0.011%); highest among the groups gnomAD compares: East Asian, 0.027%; no homozygotes.

Submission:

Labcorp Genetics (formerly Invitae), Labcorp
Classification: Uncertain significance for Thrombophilia due to protein S deficiency, autosomal recessive. Last evaluated: 2021-08-13. Review status: criteria provided, single submitter. Criteria: Invitae Variant Classification Sherloc (09022015). Collection method: clinical testing. Allele origin: germline.
Comment: This sequence change replaces arginine with histidine at codon 445 of the PROS1 protein (p.Arg445His). The arginine residue is highly conserved and there is a small physicochemical difference between arginine and histidine. This variant is present in population databases (rs375034896, ExAC 0.04%). This missense change has been observed in individual(s) with clinical features of PROS1-related conditions (PMID: 30669159). Algorithms developed to predict the effect of missense changes on protein structure and function (SIFT, PolyPhen-2, Align-GVGD) all suggest that this variant is likely to be disruptive. In summary, the available evidence is currently insufficient to determine the role of this variant in disease. Therefore, it has been classified as a Variant of Uncertain Significance.

Literature cited by the submitters: PubMed 30669159.